The following is an entry in ClinVar:

ClinVar aggregate classification (germline): Uncertain significance (1 of 4 stars; one submission).

Conditions:
POLD1-related polyposis and colorectal cancer syndrome (CRCS10). Also called: Colorectal cancer 10; COLORECTAL CANCER, SUSCEPTIBILITY TO, ON CHROMOSOME 19q; Colorectal cancer, susceptibility to, 10. Identifiers: Orphanet 220460, MedGen C2675481, MONDO:0012953, OMIM 612591.

Submission:

Labcorp Genetics (formerly Invitae), Labcorp
Classification: Uncertain significance for POLD1-related polyposis and colorectal cancer syndrome. Last evaluated: 2024-07-30. Review status: criteria provided, single submitter. Criteria: Invitae Variant Classification Sherloc (09022015). Collection method: clinical testing. Allele origin: germline.
Comment: This sequence change creates a premature translational stop signal (p.Leu686Argfs*8) in the POLD1 gene. Missense variants that disrupt the 3'-5' exonuclease (proof-reading) activity of the POLD1 protein are associated with PPAP (polymerase proofreading–associated polyposis) (PMID: 23263490, 23447401). However, loss-of-function variants that result in an absent or severely disrupted POLD1 protein, and missense variants outside the exonuclease domain, are unlikely to be associated with PPAP. This variant is not present in population databases (gnomAD no frequency). This variant has not been reported in the literature in individuals affected with POLD1-related conditions. In summary, the available evidence is currently insufficient to determine the role of this variant in disease. Therefore, it has been classified as a Variant of Uncertain Significance.

Literature cited by the submitters: PubMed 23263490; PubMed 23447401.

NM_002691.4(POLD1):c.2057del (p.Leu686fs)

Gene: POLD1 (DNA polymerase delta 1, catalytic subunit; plus strand). Cytogenetic location: 19q13.33.
Variant type: Deletion.
Coding change: c.2057del on transcript NM_002691.4 (MANE Select); coding-DNA position 2057, one base deleted (T; older notation c.2057delT).
Protein change: p.Leu686fs; shifts the reading frame from leucine 686.
Molecular consequence: frameshift variant. On other transcripts: non-coding transcript variant (1).
Genome position (GRCh38, 1-based): chr19:50,409,569, T deleted. VCF-style (leftmost placement, unchanged base first): chr19-50409568-CT-C. GRCh37 (hg19) VCF-style: chr19-50912825-CT-C.
Other names: c.2057del, p.Leu686fs (NM_001256849.1); c.2135del, p.Leu712fs (NM_001308632.1); short protein forms L686fs, L712fs.
Identifiers: ClinVar variation 3632170 (VCV003632170.2).